The following is an entry in ClinVar:

NM_005732.4(RAD50):c.1872T>G (p.Ser624Arg)

Gene: RAD50 (RAD50 double strand break repair protein; plus strand). Cytogenetic location: 5q31.1.
Variant type: single nucleotide variant.
Coding change: c.1872T>G on transcript NM_005732.4 (MANE Select); coding-DNA position 1872, T replaced by G.
Protein change: p.Ser624Arg; replaces serine 624 with arginine.
Molecular consequence: missense variant.
Genome position (GRCh38, 1-based): chr5:132,594,947, T>G. VCF-style: chr5-132594947-T-G. GRCh37 (hg19) VCF-style: chr5-131930639-T-G.
Other names: short protein forms S624R.
Identifiers: ClinVar variation 4677920 (VCV004677920.1).

ClinVar aggregate classification (germline): Uncertain significance (1 of 4 stars; one submission).

Conditions:
Hereditary cancer-predisposing syndrome. Also called: Neoplastic Syndromes, Hereditary; Tumor predisposition; Hereditary Cancer Syndrome; Hereditary neoplastic syndrome. Identifiers: Orphanet 140162, MedGen C0027672, MeSH D009386, MONDO:0015356.

Submission:

Ambry Genetics
Classification: Uncertain significance for Hereditary cancer-predisposing syndrome. Last evaluated: 2025-10-14. Review status: criteria provided, single submitter. Criteria: Ambry Variant Classification Scheme 2023. Collection method: clinical testing. Allele origin: germline.
Comment: The p.S624R variant (also known as c.1872T>G), located in coding exon 12 of the RAD50 gene, results from a T to G substitution at nucleotide position 1872. The serine at codon 624 is replaced by arginine, an amino acid with dissimilar properties. This amino acid position is conserved. In addition, this alteration is predicted to be tolerated by in silico analysis. Based on the available evidence, the clinical significance of this variant remains unclear.